The following is an entry in ClinVar:

NM_001040108.2(MLH3):c.3429A>G (p.Ser1143=)

Gene: MLH3 (mutL homolog 3; minus strand). Cytogenetic location: 14q24.3.
Variant type: single nucleotide variant.
Coding change: c.3429A>G on transcript NM_001040108.2 (MANE Select); coding-DNA position 3429, A replaced by G.
Protein change: p.Ser1143=; no amino-acid change (serine 1143 retained).
Molecular consequence: synonymous variant.
Genome position (GRCh38, 1-based): chr14:75,041,651, T>C on the plus strand (A>G on the coding strand, the complement: MLH3 is on the minus strand). VCF-style: chr14-75041651-T-C. GRCh37 (hg19) VCF-style: chr14-75508354-T-C.
Other names: c.3429A>G, p.Ser1143= (NM_014381.3).
Identifiers: ClinVar variation 4875899 (VCV004875899.1).

ClinVar aggregate classification (germline): Benign (1 of 4 stars; one submission).

Conditions:
Colorectal cancer, hereditary nonpolyposis, type 7. Identifiers: Orphanet 144, MedGen C1858380, MONDO:0013725, OMIM 614385.

Submission:

Myriad Genetics, Inc.
Classification: Benign for Colorectal cancer, hereditary nonpolyposis, type 7. Last evaluated: 2026-05-06. Review status: criteria provided, single submitter. Criteria: Myriad Autosomal Dominant, Autosomal Recessive and X-Linked Classification Criteria (2023). Collection method: clinical testing. Allele origin: unknown.
Comment: This variant is considered benign. This variant is a silent/synonymous amino acid change and it is not expected to impact splicing.